The following is an entry in ClinVar:

NM_001080421.3(UNC13A):c.-1C>T

Gene: UNC13A (unc-13 homolog A; minus strand). Cytogenetic location: 19p13.11.
Variant type: single nucleotide variant.
Coding change: c.-1C>T on transcript NM_001080421.3 (MANE Select); 1 bases upstream of the start codon, C replaced by T.
Molecular consequence: 5 prime UTR variant.
Genome position (GRCh38, 1-based): chr19:17,688,200, G>A on the plus strand (C>T on the coding strand, the complement: UNC13A is on the minus strand). VCF-style: chr19-17688200-G-A. GRCh37 (hg19) VCF-style: chr19-17799009-G-A.
Other names: c.-1C>T (NM_001387021.1, NM_001387022.1, NM_001387023.1).
Identifiers: ClinVar variation 3053013 (VCV003053013.6), dbSNP rs374056573, ClinGen allele CA9298949.

ClinVar aggregate classification (germline): Likely benign. Review status: criteria provided, single submitter (1 of 4 stars). 2 submissions from 2 submitters: Likely benign (1). 1 of the submissions does not count toward it. Last evaluated 2026-09-01.

Conditions:
UNC13A-related disorder. Also called: UNC13A-related condition.

Allele frequency attached by ClinVar (database versions not stated): ExAC 0.00053; TOPMed 0.00054; gnomAD 0.00060; gnomAD exomes 0.00114; ESP Exome Variant Server 0.00116.
gnomAD v4.1: 1,656 of 1,509,978 alleles (0.11%); highest among the groups gnomAD compares: Non-Finnish European, 0.14%; 1 homozygote.

Submissions (2):

CeGaT Center for Human Genetics Tuebingen
Classification: Likely benign. Last evaluated: 2026-09-01. Review status: criteria provided, single submitter. Criteria: CeGaT Center For Human Genetics Tuebingen Variant Classification Criteria Version 2. Collection method: clinical testing. Allele origin: germline. Affected: yes. Observed: 2 variant alleles.
Comment: UNC13A: BP4

PreventionGenetics, part of Exact Sciences
Classification: Likely benign for UNC13A-related condition. Last evaluated: 2022-07-11. Review status: no assertion criteria provided. Collection method: clinical testing. Allele origin: germline. Not counted in ClinVar's aggregate classification.
Comment: This variant is classified as likely benign based on ACMG/AMP sequence variant interpretation guidelines (Richards et al. 2015 PMID: 25741868, with internal and published modifications).